The following is an entry in ClinVar:

NM_002430.3(MN1):c.3786C>T (p.His1262=)

Gene: MN1 (MN1 proto-oncogene, transcriptional regulator; minus strand). Cytogenetic location: 22q12.1.
Variant type: single nucleotide variant.
Coding change: c.3786C>T on transcript NM_002430.3 (MANE Select); coding-DNA position 3786, C replaced by T.
Protein change: p.His1262=; no amino-acid change (histidine 1262 retained).
Molecular consequence: synonymous variant.
Genome position (GRCh38, 1-based): chr22:27,751,092, G>A on the plus strand (C>T on the coding strand, the complement: MN1 is on the minus strand). VCF-style: chr22-27751092-G-A. GRCh37 (hg19) VCF-style: chr22-28147080-G-A.
Identifiers: ClinVar variation 3778236 (VCV003778236.7).

ClinVar aggregate classification (germline): Likely benign (1 of 4 stars; one submission).

gnomAD v4.1: 60 of 1,571,988 alleles (0.0038%); highest among the groups gnomAD compares: South Asian, 0.024%; no homozygotes.

Submission:

CeGaT Center for Human Genetics Tuebingen
Classification: Likely benign. Last evaluated: 2025-03-01. Review status: criteria provided, single submitter. Criteria: CeGaT Center For Human Genetics Tuebingen Variant Classification Criteria Version 2. Collection method: clinical testing. Allele origin: germline. Affected: yes. Observed: 1 variant allele.
Comment: MN1: BP4, BP7